The following is an entry in ClinVar:

NM_004517.4(ILK):c.979-17dup

Genes: TAF10 (TATA-box binding protein associated factor 10; minus strand), ILK (integrin linked kinase; plus strand). Cytogenetic location: 11p15.4.
Variant type: Duplication.
Coding change: c.979-17dup on transcript NM_004517.4 (MANE Select); 17 bases into the intron before coding-DNA position 979, one base duplicated (T; older notation c.979-17dupT).
Molecular consequence: intron variant. On other transcripts: 3 prime UTR variant (1).
Genome position (GRCh38, 1-based): chr11:6,609,919, T duplicated. VCF-style (leftmost placement, unchanged base first): chr11-6609918-C-CT. GRCh37 (hg19) VCF-style: chr11-6631149-C-CT.
Other names: c.979-17dupT (NM_004517.2); c.*1003dup (NM_006284.4); c.979-17dup (NM_001014795.3, NM_001014794.3); c.796-17dup (NM_001278441.2); c.577-17dup (NM_001278442.2).
Identifiers: ClinVar variation 512718 (VCV000512718.5), dbSNP rs1554899641, ClinGen allele CA658797588.

ClinVar aggregate classification (germline): Likely benign. Review status: criteria provided, multiple submitters, no conflicts (2 of 4 stars). 2 submissions from 2 submitters: Likely benign (2). Last evaluated 2023-04-13.

Conditions:
Primary familial hypertrophic cardiomyopathy (HCM). Identifiers: Orphanet 99739, MedGen C0949658, MeSH D024741, MONDO:0024573. Inheritance: Various modes of inheritance.

Allele frequency attached by ClinVar (database versions not stated): gnomAD exomes below 0.00001.

Submissions (2):

Labcorp Genetics (formerly Invitae), Labcorp
Classification: Likely benign for Primary familial hypertrophic cardiomyopathy. Last evaluated: 2023-04-13. Review status: criteria provided, single submitter. Criteria: Invitae Variant Classification Sherloc (09022015). Collection method: clinical testing. Allele origin: germline.

GeneDx
Classification: Likely benign. Last evaluated: 2017-10-17. Review status: criteria provided, single submitter. Criteria: GeneDx Variant Classification (06012015). Collection method: clinical testing. Allele origin: germline. Affected: yes.
Comment: This variant is considered likely benign or benign based on one or more of the following criteria: it is a conservative change, it occurs at a poorly conserved position in the protein, it is predicted to be benign by multiple in silico algorithms, and/or has population frequency not consistent with disease.